The following is an entry in ClinVar:

NM_025077.4(TOE1):c.4G>A (p.Ala2Thr)

Genes: MUTYH (mutY DNA glycosylase; minus strand), TOE1 (target of EGR1, exonuclease; plus strand). Cytogenetic location: 1p34.1.
Variant type: single nucleotide variant.
Coding change: c.4G>A on transcript NM_025077.4 (MANE Select); coding-DNA position 4, G replaced by A.
Protein change: p.Ala2Thr; replaces alanine 2 with threonine.
Molecular consequence: missense variant. On other transcripts: 5 prime UTR variant (12), non-coding transcript variant (3).
Genome position (GRCh38, 1-based): chr1:45,340,256, G>A. VCF-style: chr1-45340256-G-A. GRCh37 (hg19) VCF-style: chr1-45805928-G-A.
Other names: c.-44C>T (NM_001048171.2); c.-2C>T (NM_001128425.2, NM_001293190.2, NM_001407069.1 and 2 more transcripts); c.-256C>T (NM_001293192.2); c.-315C>T (NM_001350650.2); c.-251C>T (NM_001350651.2); c.-60C>T (NM_001407070.1, NM_001407071.1); c.-40C>T (NM_001407072.1); short protein forms A2T.
Identifiers: ClinVar variation 2007244 (VCV002007244.5), dbSNP rs781609463, ClinGen allele CA340137938.

ClinVar aggregate classification (germline): Uncertain significance. Review status: criteria provided, multiple submitters, no conflicts (2 of 4 stars). 2 submissions from 2 submitters: Uncertain significance (2). Last evaluated 2026-04-28.

Conditions:
Hereditary cancer-predisposing syndrome. Also called: Tumor predisposition; Hereditary Cancer Syndrome; Hereditary neoplastic syndrome; Neoplastic Syndromes, Hereditary. Identifiers: Orphanet 140162, MedGen C0027672, MeSH D009386, MONDO:0015356.

gnomAD v4.1: 1 of 1,613,628 alleles (0.000062%); highest among the groups gnomAD compares: African/African-American, 0.0013%; no homozygotes.

Submissions (2):

Ambry Genetics
Classification: Uncertain significance for Hereditary cancer-predisposing syndrome. Last evaluated: 2026-04-28. Review status: criteria provided, single submitter. Criteria: Ambry Variant Classification Scheme 2023. Collection method: clinical testing. Allele origin: germline.
Comment: The c.-2C>T variant is located in the 5' untranslated region (5&rsquo; UTR) of the MUTYH gene. This variant results from a C to T substitution 2 bases upstream from the first translated codon. This nucleotide position is highly conserved in available vertebrate species. Based on the available evidence, the clinical significance of this variant remains unclear.

Labcorp Genetics (formerly Invitae), Labcorp
Classification: Uncertain significance. Last evaluated: 2022-06-22. Review status: criteria provided, single submitter. Criteria: Invitae Variant Classification Sherloc (09022015). Collection method: clinical testing. Allele origin: germline.
Comment: This sequence change replaces alanine, which is neutral and non-polar, with threonine, which is neutral and polar, at codon 2 of the TOE1 protein (p.Ala2Thr). This variant is present in population databases (no rsID available, gnomAD 0.01%). This variant has not been reported in the literature in individuals affected with TOE1-related conditions. Algorithms developed to predict the effect of missense changes on protein structure and function are either unavailable or do not agree on the potential impact of this missense change (SIFT: "Tolerated"; PolyPhen-2: "Probably Damaging"; Align-GVGD: "Class C0"). In summary, the available evidence is currently insufficient to determine the role of this variant in disease. Therefore, it has been classified as a Variant of Uncertain Significance.